The following is an entry in ClinVar:

NC_000017.10:g.(73754681_73758784)_(73761281_?)del

Gene: GALK1 (galactokinase 1; minus strand). Cytogenetic location: 17q25.1.
Variant type: Deletion.
Identifiers: ClinVar variation 1705120 (VCV001705120.1).

ClinVar aggregate classification (germline): Likely pathogenic (1 of 4 stars; one submission).

Conditions:
Deficiency of galactokinase. Also called: Galactokinase deficiency with cataracts; GALACTOSEMIA II. Identifiers: Orphanet 352, Orphanet 79237, MedGen C0268155, MONDO:0009255, OMIM 230200.

Submission:

Women's Health and Genetics/Laboratory Corporation of America, LabCorp
Classification: Likely pathogenic for Deficiency of galactokinase. Last evaluated: 2022-08-17. Review status: criteria provided, single submitter. Criteria: LabCorp Variant Classification Summary - May 2015. Collection method: clinical testing. Allele origin: germline.
Comment: Variant summary: The variant identified by MLPA or other technology involves the deletion of exons 1-5 in the GALK1 gene. A presumed nomenclature of c.(?_-64)_(793+1_794-1)del has been designated for the purposes of this classification. Although exact breakpoints of this deletion are not known, it is expected to result in a frameshift in the GALK1 gene, a known mechanism of disease. The variant was absent in 21692 control chromosomes (gnomAD, Structural Variants dataset). To our knowledge, no occurrence of c.(?_-64)_(793+1_794-1)del in individuals affected with Deficiency Of Galactokinase and no experimental evidence demonstrating its impact on protein function have been reported. No clinical diagnostic laboratories have submitted clinical-significance assessments for this variant to ClinVar after 2014. Based on the evidence outlined above, the variant was classified as likely pathogenic.